The following is an entry in ClinVar:

ClinVar aggregate classification (germline): Uncertain significance. Review status: criteria provided, multiple submitters, no conflicts (2 of 4 stars). 2 submissions from 2 submitters: Uncertain significance (2). Last evaluated 2024-06-07.

Conditions:
Opsismodysplasia (OPSMD). Also called: INPPL1-Related Opsismodysplasia. Identifiers: Orphanet 2746, MedGen C0432219, MONDO:0009785, OMIM 258480.

Allele frequency attached by ClinVar (database versions not stated): ExAC 0.00004; gnomAD exomes 0.00006; gnomAD 0.00007; TOPMed 0.00007; 1000 Genomes Project 0.00020; 1000 Genomes Project 30x 0.00031.

Submissions (2):

Fulgent Genetics
Classification: Uncertain significance for Opsismodysplasia. Last evaluated: 2024-06-07. Review status: criteria provided, single submitter. Criteria: ACMG Guidelines, 2015. Collection method: clinical testing. Allele origin: germline.

Labcorp Genetics (formerly Invitae), Labcorp
Classification: Uncertain significance. Last evaluated: 2022-07-12. Review status: criteria provided, single submitter. Criteria: Invitae Variant Classification Sherloc (09022015). Collection method: clinical testing. Allele origin: germline.
Comment: In summary, the available evidence is currently insufficient to determine the role of this variant in disease. Therefore, it has been classified as a Variant of Uncertain Significance. Algorithms developed to predict the effect of missense changes on protein structure and function (SIFT, PolyPhen-2, Align-GVGD) all suggest that this variant is likely to be tolerated. This variant has not been reported in the literature in individuals affected with INPPL1-related conditions. This variant is present in population databases (rs200692358, gnomAD 0.006%). This sequence change replaces arginine, which is basic and polar, with cysteine, which is neutral and slightly polar, at codon 209 of the INPPL1 protein (p.Arg209Cys).

NM_001567.4(INPPL1):c.625C>T (p.Arg209Cys)

Gene: INPPL1 (inositol polyphosphate phosphatase like 1; plus strand). Cytogenetic location: 11q13.4.
Variant type: single nucleotide variant.
Coding change: c.625C>T on transcript NM_001567.4 (MANE Select); coding-DNA position 625, C replaced by T.
Protein change: p.Arg209Cys; replaces arginine 209 with cysteine.
Molecular consequence: missense variant.
Genome position (GRCh38, 1-based): chr11:72,229,196, C>T. VCF-style: chr11-72229196-C-T. GRCh37 (hg19) VCF-style: chr11-71940240-C-T.
Other names: short protein forms R209C.
Identifiers: ClinVar variation 2192894 (VCV002192894.3), dbSNP rs200692358, ClinGen allele CA6169717.